The following is an entry in ClinVar:

NM_005559.4(LAMA1):c.5557G>A (p.Asp1853Asn)

Gene: LAMA1 (laminin subunit alpha 1; minus strand). Cytogenetic location: 18p11.31.
Variant type: single nucleotide variant.
Coding change: c.5557G>A on transcript NM_005559.4 (MANE Select); coding-DNA position 5557, G replaced by A.
Protein change: p.Asp1853Asn; replaces aspartic acid 1853 with asparagine.
Molecular consequence: missense variant.
Genome position (GRCh38, 1-based): chr18:6,985,340, C>T on the plus strand (G>A on the coding strand, the complement: LAMA1 is on the minus strand). VCF-style: chr18-6985340-C-T. GRCh37 (hg19) VCF-style: chr18-6985339-C-T.
Other names: short protein forms D1853N.
Identifiers: ClinVar variation 2104221 (VCV002104221.4), dbSNP rs753189624, ClinGen allele CA8881560.

ClinVar aggregate classification (germline): Uncertain significance (1 of 4 stars; one submission).

Allele frequency attached by ClinVar (database versions not stated): gnomAD 0.00002; gnomAD exomes 0.00002; ExAC 0.00006.

Submission:

Labcorp Genetics (formerly Invitae), Labcorp
Classification: Uncertain significance. Last evaluated: 2022-11-22. Review status: criteria provided, single submitter. Criteria: Invitae Variant Classification Sherloc (09022015). Collection method: clinical testing. Allele origin: germline.
Comment: In summary, the available evidence is currently insufficient to determine the role of this variant in disease. Therefore, it has been classified as a Variant of Uncertain Significance. Advanced modeling of protein sequence and biophysical properties (such as structural, functional, and spatial information, amino acid conservation, physicochemical variation, residue mobility, and thermodynamic stability) performed at Invitae indicates that this missense variant is not expected to disrupt LAMA1 protein function. This variant has not been reported in the literature in individuals affected with LAMA1-related conditions. This variant is present in population databases (rs753189624, gnomAD 0.03%). This sequence change replaces aspartic acid, which is acidic and polar, with asparagine, which is neutral and polar, at codon 1853 of the LAMA1 protein (p.Asp1853Asn).